The following is an entry in ClinVar:

ClinVar aggregate classification (germline): Benign/Likely benign. Review status: criteria provided, single submitter (1 of 4 stars). 2 submissions from 1 submitter: Benign (1); Likely benign (1). Last evaluated 2018-01-13.

Conditions:
Congenital myopathy with fiber type disproportion. Also called: Congenital fiber-type disproportion myopathy; Congenital fiber-type disproportion. Identifiers: Orphanet 2020, MedGen C0546264, MONDO:0009711. Inheritance: all.
Congenital myopathy 4B, autosomal recessive. Also called: Nemaline myopathy 1, autosomal dominant or recessive. Identifiers: Orphanet 171433, Orphanet 171439, Orphanet 171881, MedGen C5829889, MONDO:0012239, OMIM 609284.

Allele frequency attached by ClinVar (database versions not stated): TOPMed 0.00306; gnomAD 0.00311 and 0.00321; 1000 Genomes Project 0.00559; 1000 Genomes Project 30x 0.00671.
gnomAD v4.1: 465 of 152,332 alleles (0.31%); highest among the groups gnomAD compares: African/African-American, 1.1%; 2 homozygotes.

Submissions (2):

Illumina Laboratory Services, Illumina
Classification: Likely benign for Congenital myopathy 4B, autosomal recessive. Last evaluated: 2018-01-13. Review status: criteria provided, single submitter. Criteria: ICSL Variant Classification Criteria 13 December 2019. Collection method: clinical testing. Allele origin: germline.
Comment: This variant was observed in the ICSL laboratory as part of a predisposition screen in an ostensibly healthy population. It had not been previously curated by ICSL or reported in the Human Gene Mutation Database (HGMD: prior to June 1st, 2018), and was therefore a candidate for classification through an automated scoring system. Utilizing variant allele frequency, disease prevalence and penetrance estimates, and inheritance mode, an automated score was calculated to assess if this variant is too frequent to cause the disease. Based on the score and internal cut-off values, a variant classified as likely benign is not then subjected to further curation. The score for this variant resulted in a classification of likely benign for this disease.

Illumina Laboratory Services, Illumina
Classification: Benign for Congenital myopathy 4A, autosomal dominant. Last evaluated: 2018-01-13. Review status: criteria provided, single submitter. Criteria: ICSL Variant Classification Criteria 13 December 2019. Collection method: clinical testing. Allele origin: germline.
Comment: This variant was observed in the ICSL laboratory as part of a predisposition screen in an ostensibly healthy population. It had not been previously curated by ICSL or reported in the Human Gene Mutation Database (HGMD: prior to June 1st, 2018), and was therefore a candidate for classification through an automated scoring system. Utilizing variant allele frequency, disease prevalence and penetrance estimates, and inheritance mode, an automated score was calculated to assess if this variant is too frequent to cause the disease. Based on the score and internal cut-off values, a variant classified as benign is not then subjected to further curation. The score for this variant resulted in a classification of benign for this disease.

NM_152263.4(TPM3):c.*878A>G

Gene: TPM3 (tropomyosin 3; minus strand). Cytogenetic location: 1q21.3.
Variant type: single nucleotide variant.
Coding change: c.*878A>G on transcript NM_152263.4 (MANE Select); 878 bases downstream of the stop codon, A replaced by G.
Molecular consequence: 3 prime UTR variant. On other transcripts: intron variant (12).
Genome position (GRCh38, 1-based): chr1:154,167,059, T>C on the plus strand (A>G on the coding strand, the complement: TPM3 is on the minus strand). VCF-style: chr1-154167059-T-C. GRCh37 (hg19) VCF-style: chr1-154139535-T-C.
Other names: c.*878A>G (NM_001364682.1, NM_001364683.1); c.775+3341A>G (NM_001364679.2, NM_001364681.2, NM_001364680.2); c.466+3341A>G (NM_001278188.2); c.664+3341A>G (NM_001043351.2, NM_001043353.2, NM_153649.4 and 1 more transcripts); c.743+2246A>G (NM_001349679.2, NM_001278189.2); c.601+3341A>G (NM_001278190.2); c.394+3341A>G (NM_001278191.2).
Identifiers: ClinVar variation 876008 (VCV000876008.4), dbSNP rs116789181, ClinGen allele CA30765684.